The following is an entry in ClinVar:

NM_183357.3(ADCY5):c.326A>T (p.Asp109Val)

Gene: ADCY5 (adenylate cyclase 5; minus strand). Cytogenetic location: 3q21.1.
Variant type: single nucleotide variant.
Coding change: c.326A>T on transcript NM_183357.3 (MANE Select); coding-DNA position 326, A replaced by T.
Protein change: p.Asp109Val; replaces aspartic acid 109 with valine.
Molecular consequence: missense variant.
Genome position (GRCh38, 1-based): chr3:123,448,220, T>A on the plus strand (A>T on the coding strand, the complement: ADCY5 is on the minus strand). VCF-style: chr3-123448220-T-A. GRCh37 (hg19) VCF-style: chr3-123167067-T-A.
Other names: c.326A>T, p.Asp109Val (NM_001378259.1); short protein forms D109V.
Identifiers: ClinVar variation 2962196 (VCV002962196.3), dbSNP rs1373192640, ClinGen allele CA354358338.

ClinVar aggregate classification (germline): Uncertain significance (1 of 4 stars; one submission).

Allele frequency attached by ClinVar (database versions not stated): gnomAD 0.00001; TOPMed 0.00001.
gnomAD v4.1: 2 of 1,333,488 alleles (0.00015%); highest among the groups gnomAD compares: African/African-American, 0.0031%; no homozygotes.

Submission:

Labcorp Genetics (formerly Invitae), Labcorp
Classification: Uncertain significance. Last evaluated: 2023-02-13. Review status: criteria provided, single submitter. Criteria: Invitae Variant Classification Sherloc (09022015). Collection method: clinical testing. Allele origin: germline.
Comment: In summary, the available evidence is currently insufficient to determine the role of this variant in disease. Therefore, it has been classified as a Variant of Uncertain Significance. Advanced modeling of protein sequence and biophysical properties (such as structural, functional, and spatial information, amino acid conservation, physicochemical variation, residue mobility, and thermodynamic stability) performed at Invitae indicates that this missense variant is not expected to disrupt ADCY5 protein function. This variant has not been reported in the literature in individuals affected with ADCY5-related conditions. This variant is not present in population databases (gnomAD no frequency). This sequence change replaces aspartic acid, which is acidic and polar, with valine, which is neutral and non-polar, at codon 109 of the ADCY5 protein (p.Asp109Val).